The following is an entry in ClinVar:

ClinVar aggregate classification (germline): Likely benign. Review status: criteria provided, single submitter (1 of 4 stars). 2 submissions from 2 submitters: Likely benign (1). 1 of the submissions does not count toward it. Last evaluated 2023-12-28.

Conditions:
SCP2-related disorder. Also called: SCP2-related condition.

Allele frequency attached by ClinVar (database versions not stated): gnomAD exomes below 0.00001; TOPMed below 0.00001.
gnomAD v4.1: 1 of 1,598,806 alleles (0.000063%); highest among the groups gnomAD compares: Admixed American, 0.0017%; no homozygotes.

Submissions (2):

Labcorp Genetics (formerly Invitae), Labcorp
Classification: Likely benign. Last evaluated: 2023-12-28. Review status: criteria provided, single submitter. Criteria: Invitae Variant Classification Sherloc (09022015). Collection method: clinical testing. Allele origin: germline.

PreventionGenetics, part of Exact Sciences
Classification: Likely benign for SCP2-related condition. Last evaluated: 2021-04-14. Review status: no assertion criteria provided. Collection method: clinical testing. Allele origin: germline. Not counted in ClinVar's aggregate classification.
Comment: This variant is classified as likely benign based on ACMG/AMP sequence variant interpretation guidelines (Richards et al. 2015 PMID: 25741868, with internal and published modifications).

NM_002979.5(SCP2):c.1549-9T>C

Gene: SCP2 (sterol carrier protein 2; plus strand). Cytogenetic location: 1p32.3.
Variant type: single nucleotide variant.
Coding change: c.1549-9T>C on transcript NM_002979.5 (MANE Select); 9 bases into the intron before coding-DNA position 1549, T replaced by C.
Molecular consequence: intron variant.
Genome position (GRCh38, 1-based): chr1:53,050,600, T>C. VCF-style: chr1-53050600-T-C. GRCh37 (hg19) VCF-style: chr1-53516272-T-C.
Other names: c.1549-9T>C (NM_002979.4); c.1417-9T>C (NM_001193600.2); c.1477-9T>C (NM_001193599.2); c.1306-9T>C (NM_001193617.2); c.337-9T>C (NM_001007099.3); c.*27-9T>C (NM_001007250.3); c.328-9T>C (NM_001007100.3).
Identifiers: ClinVar variation 2779555 (VCV002779555.5), dbSNP rs1003789547, ClinGen allele CA22583914.